The following is an entry in ClinVar:

ClinVar aggregate classification (germline): Conflicting classifications of pathogenicity. Review status: criteria provided, conflicting classifications (1 of 4 stars). 2 submissions from 2 submitters: Uncertain significance (1); Likely benign (1). Last evaluated 2023-03-23.

Conditions:
Hereditary cancer-predisposing syndrome. Also called: Hereditary neoplastic syndrome; Neoplastic Syndromes, Hereditary; Tumor predisposition; Hereditary Cancer Syndrome. Identifiers: Orphanet 140162, MedGen C0027672, MeSH D009386, MONDO:0015356.
Hereditary breast ovarian cancer syndrome. Also called: Hereditary breast and ovarian cancer syndrome; Hereditary breast and/or ovarian cancer syndrome; Hereditary breast and ovarian cancer; Hereditary breast and ovarian cancer syndrome (HBOC); Breast and ovarian cancer; BRCA1- and BRCA2-Associated Hereditary Breast and Ovarian Cancer. Identifiers: Orphanet 145, MedGen C0677776, MeSH D061325, MONDO:0003582. Disease mechanism: loss of function.

Submissions (2):

University of Washington Department of Laboratory Medicine, University of Washington
Classification: Likely benign for Hereditary cancer-predisposing syndrome. Last evaluated: 2023-03-23. Review status: criteria provided, single submitter. Criteria: Dines et al. (Genet Med. 2020). Collection method: curation. Allele origin: germline.
Comment: Missense variant in a coldspot region where missense variants are very unlikely to be pathogenic (PMID:31911673).

BRCA2 exon 11 coldspot. Reclassification based on statistical prior probability.

Labcorp Genetics (formerly Invitae), Labcorp
Classification: Uncertain significance for Hereditary breast ovarian cancer syndrome. Last evaluated: 2022-07-06. Review status: criteria provided, single submitter. Criteria: Invitae Variant Classification Sherloc (09022015). Collection method: clinical testing. Allele origin: germline.
Comment: In summary, the available evidence is currently insufficient to determine the role of this variant in disease. Therefore, it has been classified as a Variant of Uncertain Significance. Advanced modeling of protein sequence and biophysical properties (such as structural, functional, and spatial information, amino acid conservation, physicochemical variation, residue mobility, and thermodynamic stability) performed at Invitae indicates that this missense variant is not expected to disrupt BRCA2 protein function. ClinVar contains an entry for this variant (Variation ID: 1035111). This variant has not been reported in the literature in individuals affected with BRCA2-related conditions. This variant is not present in population databases (gnomAD no frequency). This sequence change replaces serine, which is neutral and polar, with cysteine, which is neutral and slightly polar, at codon 1084 of the BRCA2 protein (p.Ser1084Cys).

NM_000059.4(BRCA2):c.3250A>T (p.Ser1084Cys)

Gene: BRCA2 (BRCA2 DNA repair associated; plus strand). Cytogenetic location: 13q13.1.
Variant type: single nucleotide variant.
Coding change: c.3250A>T on transcript NM_000059.4 (MANE Select); coding-DNA position 3250, A replaced by T.
Protein change: p.Ser1084Cys; replaces serine 1084 with cysteine.
Molecular consequence: missense variant.
Genome position (GRCh38, 1-based): chr13:32,337,605, A>T. VCF-style: chr13-32337605-A-T. GRCh37 (hg19) VCF-style: chr13-32911742-A-T.
Other names: short protein forms S1084C.
Identifiers: ClinVar variation 1035111 (VCV001035111.10), dbSNP rs369907107, ClinGen allele CA387775976.
Genomic context (GRCh38, chr13:32,337,605, plus strand): 5'-TCAATTAATACTGTATCTGCACATTTACAGAGTAGTGTAGTTGTTTCTGATTGTAAAAAT[A>T]GTCATATAACCCCTCAGATGTTATTTTCCAAGCAGGATTTTAATTCAAACCATAATTTAA-3'
Protein context (NP_000050.3, residues 1074-1094): SSVVVSDCKN[Ser1084Cys]HITPQMLFSK